The following is an entry in ClinVar:

NM_020639.3(RIPK4):c.1587G>A (p.Ser529=)

Gene: RIPK4 (receptor interacting serine/threonine kinase 4; minus strand). Cytogenetic location: 21q22.3.
Variant type: single nucleotide variant.
Coding change: c.1587G>A on transcript NM_020639.3 (MANE Select); coding-DNA position 1587, G replaced by A.
Protein change: p.Ser529=; no amino-acid change (serine 529 retained).
Molecular consequence: synonymous variant.
Genome position (GRCh38, 1-based): chr21:41,741,606, C>T on the plus strand (G>A on the coding strand, the complement: RIPK4 is on the minus strand). VCF-style: chr21-41741606-C-T. GRCh37 (hg19) VCF-style: chr21-43161766-C-T.
Identifiers: ClinVar variation 340018 (VCV000340018.12), dbSNP rs61740546, ClinGen allele CA10035267.

ClinVar aggregate classification (germline): Benign. Review status: criteria provided, multiple submitters, no conflicts (2 of 4 stars). 4 submissions from 4 submitters: Benign (4). Last evaluated 2019-12-31.

Conditions:
Bartsocas-Papas syndrome 1. Also called: Bartsocas-Papas syndrome; MULTIPLE PTERYGIUM SYNDROME, ASLAN TYPE; PTERYGIUM, POPLITEAL, LETHAL TYPE. Identifiers: Orphanet 1234, MedGen C1849718, MONDO:0009901, OMIM 263650.

Allele frequency attached by ClinVar (database versions not stated): gnomAD exomes 0.00422; ExAC 0.00530; gnomAD 0.01568 and 0.01687; TOPMed 0.01703; 1000 Genomes Project 0.01737; 1000 Genomes Project 30x 0.01874; ESP Exome Variant Server 0.01899.
gnomAD v4.1: 4,825 of 1,612,548 alleles (0.3%); highest among the groups gnomAD compares: African/African-American, 5.4%; 136 homozygotes.

Submissions (4):

Labcorp Genetics (formerly Invitae), Labcorp
Classification: Benign. Last evaluated: 2019-12-31. Review status: criteria provided, single submitter. Criteria: Invitae Variant Classification Sherloc (09022015). Collection method: clinical testing. Allele origin: germline.

GeneDx
Classification: Benign. Last evaluated: 2019-12-01. Review status: criteria provided, single submitter. Criteria: GeneDx Variant Classification Process June 2021. Collection method: clinical testing. Allele origin: germline. Affected: yes.

Illumina Laboratory Services, Illumina
Classification: Benign for Bartsocas-Papas syndrome 1. Last evaluated: 2018-01-12. Review status: criteria provided, single submitter. Criteria: ICSL Variant Classification Criteria 13 December 2019. Collection method: clinical testing. Allele origin: germline.
Comment: This variant was observed in the ICSL laboratory as part of a predisposition screen in an ostensibly healthy population. It had not been previously curated by ICSL or reported in the Human Gene Mutation Database (HGMD: prior to June 1st, 2018), and was therefore a candidate for classification through an automated scoring system. Utilizing variant allele frequency, disease prevalence and penetrance estimates, and inheritance mode, an automated score was calculated to assess if this variant is too frequent to cause the disease. Based on the score and internal cut-off values, a variant classified as benign is not then subjected to further curation. The score for this variant resulted in a classification of benign for this disease.

Breakthrough Genomics
Classification: Benign. Review status: criteria provided, single submitter. Criteria: ACMG Guidelines, 2015. Collection method: not provided. Allele origin: germline. Inheritance: Autosomal recessive inheritance. Affected: yes.